The following is an entry in ClinVar:

NM_006397.3(RNASEH2A):c.622T>C (p.Ser208Pro)

Gene: RNASEH2A (ribonuclease H2 subunit A; plus strand). Cytogenetic location: 19p13.13.
Variant type: single nucleotide variant.
Coding change: c.622T>C on transcript NM_006397.3 (MANE Select); coding-DNA position 622, T replaced by C.
Protein change: p.Ser208Pro; replaces serine 208 with proline.
Molecular consequence: missense variant.
Genome position (GRCh38, 1-based): chr19:12,810,389, T>C. VCF-style: chr19-12810389-T-C. GRCh37 (hg19) VCF-style: chr19-12921203-T-C.
Other names: short protein forms S208P.
Identifiers: ClinVar variation 1252081 (VCV001252081.2), dbSNP rs2145827947, ClinGen allele CA404267905.
Genomic context (GRCh38, chr19:12,810,389, plus strand): 5'-CAGGCCGTGAAGAAATGGCAGTTCGTGGAGAAACTGCAGGACTTGGATACTGATTATGGC[T>C]CAGGCTACCCCAATGGTGAGCAGACACGTGACCATGGTACTAATGTTGAAATGGCCAGGG-3'
Protein context (NP_006388.2, residues 198-218): KLQDLDTDYG[Ser208Pro]GYPNDPKTKA

ClinVar aggregate classification (germline): Uncertain significance. Review status: criteria provided, single submitter (1 of 4 stars). 2 submissions from 1 submitter: Uncertain significance (1). 1 of the submissions does not count toward it. Last evaluated 2024-03-14.

Conditions:
Aicardi-Goutieres syndrome 4. Identifiers: Orphanet 51, MedGen C1835912, MONDO:0012472, OMIM 610333.

Submissions (2):

Genomic Medicine Center of Excellence, King Faisal Specialist Hospital and Research Centre
Classification: Uncertain significance for Aicardi-Goutieres syndrome 4. Last evaluated: 2024-03-14. Review status: criteria provided, single submitter. Criteria: ACMG Guidelines, 2015. Collection method: clinical testing. Allele origin: germline.

Genomic Medicine Center of Excellence, King Faisal Specialist Hospital and Research Centre
Classification: Uncertain significance for Aicardi-Goutieres syndrome 4. Last evaluated: 2021-04-29. Review status: flagged submission. Collection method: research. Allele origin: germline. Affected: yes. Not counted in ClinVar's aggregate classification.
ClinVar note: Reason: This record appears to be redundant with a more recent record from the same submitter.
ClinVar note: Notes: SCV001870519 appears to be redundant with SCV005038904.